The following is an entry in ClinVar:

ClinVar aggregate classification (germline): Uncertain significance (1 of 4 stars; one submission).

Conditions:
Xeroderma pigmentosum, group F (XPF). Also called: ERCC4-Related Xeroderma Pigmentosum; XERODERMA PIGMENTOSUM, COMPLEMENTATION GROUP F; XERODERMA PIGMENTOSUM, TYPE F; Xeroderma pigmentosum, type 6; XERODERMA PIGMENTOSUM VI; XP, GROUP F. Identifiers: MedGen C0268140, MONDO:0010215, OMIM 278760.
Cockayne syndrome. Identifiers: Orphanet 191, MedGen C0009207, MONDO:0016006.
Fanconi anemia complementation group Q. Identifiers: Orphanet 84, MedGen C3808988, MONDO:0014108, OMIM 615272.

Submission:

Labcorp Genetics (formerly Invitae), Labcorp
Classification: Uncertain significance for Fanconi anemia complementation group Q; Xeroderma pigmentosum, group F; Cockayne syndrome. Last evaluated: 2025-09-23. Review status: criteria provided, single submitter. Criteria: Invitae Variant Classification Sherloc (09022015). Collection method: clinical testing. Allele origin: germline.
Comment: This sequence change replaces lysine, which is basic and polar, with glutamine, which is neutral and polar, at codon 356 of the ERCC4 protein (p.Lys356Gln). This variant is not present in population databases (gnomAD no frequency). This variant has not been reported in the literature in individuals affected with ERCC4-related conditions. An algorithm developed to predict the effect of missense changes on protein structure and function outputs the following: PolyPhen-2: "Benign". The glutamine amino acid residue is found in multiple mammalian species, which suggests that this missense change does not adversely affect protein function. In summary, the available evidence is currently insufficient to determine the role of this variant in disease. Therefore, it has been classified as a Variant of Uncertain Significance.

NM_005236.3(ERCC4):c.1066A>C (p.Lys356Gln)

Gene: ERCC4 (ERCC excision repair 4, endonuclease catalytic subunit; plus strand). Cytogenetic location: 16p13.12.
Variant type: single nucleotide variant.
Coding change: c.1066A>C on transcript NM_005236.3 (MANE Select); coding-DNA position 1066, A replaced by C.
Protein change: p.Lys356Gln; replaces lysine 356 with glutamine.
Molecular consequence: missense variant.
Genome position (GRCh38, 1-based): chr16:13,932,249, A>C. VCF-style: chr16-13932249-A-C. GRCh37 (hg19) VCF-style: chr16-14026106-A-C.
Other names: short protein forms K356Q.
Identifiers: ClinVar variation 4784755 (VCV004784755.1).